The following is an entry in ClinVar:

NM_144997.7(FLCN):c.887C>T (p.Ser296Leu)

Gene: FLCN (folliculin; minus strand). Cytogenetic location: 17p11.2.
Variant type: single nucleotide variant.
Coding change: c.887C>T on transcript NM_144997.7 (MANE Select); coding-DNA position 887, C replaced by T.
Protein change: p.Ser296Leu; replaces serine 296 with leucine.
Molecular consequence: missense variant.
Genome position (GRCh38, 1-based): chr17:17,219,194, G>A on the plus strand (C>T on the coding strand, the complement: FLCN is on the minus strand). VCF-style: chr17-17219194-G-A. GRCh37 (hg19) VCF-style: chr17-17122508-G-A.
Other names: c.941C>T, p.Ser314Leu (NM_001353229.2); c.887C>T, p.Ser296Leu (NM_001353230.2, NM_001353231.2); short protein forms S314L, S296L.
Identifiers: ClinVar variation 3645953 (VCV003645953.2).

ClinVar aggregate classification (germline): Uncertain significance (1 of 4 stars; one submission).

Conditions:
Birt-Hogg-Dube syndrome. Also called: Birt Hogg Dubé syndrome. Identifiers: Orphanet 122, MedGen C0346010, MONDO:0800444.

Submission:

Labcorp Genetics (formerly Invitae), Labcorp
Classification: Uncertain significance for Birt-Hogg-Dube syndrome. Last evaluated: 2024-03-14. Review status: criteria provided, single submitter. Criteria: Invitae Variant Classification Sherloc (09022015). Collection method: clinical testing. Allele origin: germline.
Comment: This sequence change replaces serine, which is neutral and polar, with leucine, which is neutral and non-polar, at codon 296 of the FLCN protein (p.Ser296Leu). This variant is not present in population databases (gnomAD no frequency). This variant has not been reported in the literature in individuals affected with FLCN-related conditions. Advanced modeling of protein sequence and biophysical properties (such as structural, functional, and spatial information, amino acid conservation, physicochemical variation, residue mobility, and thermodynamic stability) performed at Invitae indicates that this missense variant is not expected to disrupt FLCN protein function with a negative predictive value of 80%. In summary, the available evidence is currently insufficient to determine the role of this variant in disease. Therefore, it has been classified as a Variant of Uncertain Significance.